The following is an entry in ClinVar:

ClinVar aggregate classification (germline): Uncertain significance (0 of 4 stars; one submission).

Conditions:
CDK5RAP2-related disorder. Also called: CDK5RAP2-related condition.

gnomAD v4.1: 18 of 1,613,948 alleles (0.0011%); highest among the groups gnomAD compares: Admixed American, 0.02%; no homozygotes.

Submission:

PreventionGenetics, part of Exact Sciences
Classification: Uncertain significance for CDK5RAP2-related condition. Last evaluated: 2024-03-11. Review status: no assertion criteria provided. Collection method: clinical testing. Allele origin: germline.
Comment: The CDK5RAP2 c.4823G>A variant is predicted to result in the amino acid substitution p.Ser1608Asn. To our knowledge, this variant has not been reported in the literature. This variant is reported in 0.017% of alleles in individuals of Latino descent in gnomAD. At this time, the clinical significance of this variant is uncertain due to the absence of conclusive functional and genetic evidence.

NM_018249.6(CDK5RAP2):c.4823G>A (p.Ser1608Asn)

Gene: CDK5RAP2 (CDK5 regulatory subunit associated protein 2; minus strand). Cytogenetic location: 9q33.2.
Variant type: single nucleotide variant.
Coding change: c.4823G>A on transcript NM_018249.6 (MANE Select); coding-DNA position 4823, G replaced by A.
Protein change: p.Ser1608Asn; replaces serine 1608 with asparagine.
Molecular consequence: missense variant. On other transcripts: non-coding transcript variant (5), intron variant (1).
Genome position (GRCh38, 1-based): chr9:120,407,152, C>T on the plus strand (G>A on the coding strand, the complement: CDK5RAP2 is on the minus strand). VCF-style: chr9-120407152-C-T. GRCh37 (hg19) VCF-style: chr9-123169430-C-T.
Other names: c.4133G>A, p.Ser1378Asn (NM_001272039.2); c.4724G>A, p.Ser1575Asn (NM_001410992.1); c.4727G>A, p.Ser1576Asn (NM_001410993.1); c.4820G>A, p.Ser1607Asn (NM_001410994.1); c.4726+1195G>A (NM_001011649.3); short protein forms S1378N, S1575N, S1576N, S1607N, S1608N.
Identifiers: ClinVar variation 3350234 (VCV003350234.1).